The following is an entry in ClinVar:

ClinVar aggregate classification (germline): Uncertain significance (1 of 4 stars; one submission).

Conditions:
Malignant hyperthermia, susceptibility to, 5 (MHS5). Also called: CACNA1S-Related Malignant Hyperthermia Susceptibility. Identifiers: Orphanet 423, MedGen C1866077, MONDO:0011163, OMIM 601887.

gnomAD v4.1: 1 of 1,614,150 alleles (0.000062%); highest among the groups gnomAD compares: Non-Finnish European, 0.000085%; no homozygotes.

Submission:

All of Us Research Program, National Institutes of Health
Classification: Uncertain significance for Malignant hyperthermia, susceptibility to, 5. Last evaluated: 2024-09-23. Review status: criteria provided, single submitter. Criteria: ACMG Guidelines, 2015. Collection method: clinical testing. Allele origin: germline. Inheritance: Autosomal dominant inheritance. Observed: 1 variant allele, 1 heterozygote.
Comment: This study involves interpretation of variants in research participants for the purpose of population health screening. Participant phenotype was not available at the time of variant classification. Additional details can be found in publication PMID: 35346344, PMCID: PMC8962531

NM_000069.3(CACNA1S):c.4152T>G (p.Phe1384Leu)

Gene: CACNA1S (calcium voltage-gated channel subunit alpha1 S; minus strand). Cytogenetic location: 1q32.1.
Variant type: single nucleotide variant.
Coding change: c.4152T>G on transcript NM_000069.3 (MANE Select); coding-DNA position 4152, T replaced by G.
Protein change: p.Phe1384Leu; replaces phenylalanine 1384 with leucine.
Molecular consequence: missense variant.
Genome position (GRCh38, 1-based): chr1:201,050,478, A>C on the plus strand (T>G on the coding strand, the complement: CACNA1S is on the minus strand). VCF-style: chr1-201050478-A-C. GRCh37 (hg19) VCF-style: chr1-201019606-A-C.
Other names: short protein forms F1384L.
Identifiers: ClinVar variation 3386308 (VCV003386308.1).